The following is an entry in ClinVar:

ClinVar aggregate classification (germline): Uncertain significance (1 of 4 stars; one submission).

Submission:

GeneDx
Classification: Uncertain significance. Last evaluated: 2023-05-08. Review status: criteria provided, single submitter. Criteria: GeneDx Variant Classification Process June 2021. Collection method: clinical testing. Allele origin: germline. Affected: yes.
Comment: Not observed at significant frequency in large population cohorts (gnomAD); In silico analysis supports that this missense variant does not alter protein structure/function; Has not been previously published as pathogenic or benign to our knowledge

NM_014727.3(KMT2B):c.64G>A (p.Gly22Ser)

Genes: KMT2B (lysine methyltransferase 2B; plus strand), LOC130064257 (ATAC-STARR-seq lymphoblastoid silent region 10534; plus strand). Cytogenetic location: 19q13.12.
Variant type: single nucleotide variant.
Coding change: c.64G>A on transcript NM_014727.3 (MANE Select); coding-DNA position 64, G replaced by A.
Protein change: p.Gly22Ser; replaces glycine 22 with serine.
Molecular consequence: missense variant.
Genome position (GRCh38, 1-based): chr19:35,718,082, G>A. VCF-style: chr19-35718082-G-A. GRCh37 (hg19) VCF-style: chr19-36208984-G-A.
Other names: short protein forms G22S.
Identifiers: ClinVar variation 2663134 (VCV002663134.1), dbSNP rs2513306152, ClinGen allele CA405374111.
Genomic context (GRCh38, chr19:35,718,082, plus strand): 5'-GCGGCGGCGGCGGGCGGCGGCAGTTGCCCCGGGCCTGGCTCCGCGCGGGGCCGCTTCCCG[G>A]GCCGGCCGCGGGGCGCCGGCGGGGGCGGGGGCCGCGGCGGACGGGGCAACGGGGCCGAAA-3'
Protein context (NP_055542.1, residues 12-32): GPGSARGRFP[Gly22Ser]RPRGAGGGGG